The following is an entry in ClinVar:

NM_032806.6(POMGNT2):c.614T>G (p.Leu205Arg)

Gene: POMGNT2 (protein O-linked mannose N-acetylglucosaminyltransferase 2 (beta 1,4-); minus strand). Cytogenetic location: 3p22.1.
Variant type: single nucleotide variant.
Coding change: c.614T>G on transcript NM_032806.6 (MANE Select); coding-DNA position 614, T replaced by G.
Protein change: p.Leu205Arg; replaces leucine 205 with arginine.
Molecular consequence: missense variant.
Genome position (GRCh38, 1-based): chr3:43,080,818, A>C on the plus strand (T>G on the coding strand, the complement: POMGNT2 is on the minus strand). VCF-style: chr3-43080818-A-C. GRCh37 (hg19) VCF-style: chr3-43122310-A-C.
Other names: short protein forms L205R.
Identifiers: ClinVar variation 3903200 (VCV003903200.1).

ClinVar aggregate classification (germline): Uncertain significance (1 of 4 stars; one submission).

Submission:

GeneDx
Classification: Uncertain significance. Last evaluated: 2024-12-16. Review status: criteria provided, single submitter. Criteria: GeneDx Variant Classification Process June 2021. Collection method: clinical testing. Allele origin: germline. Affected: yes.
Comment: Has not been previously published as pathogenic or benign to our knowledge; In silico analysis supports that this missense variant has a deleterious effect on protein structure/function; Not observed at significant frequency in large population cohorts (gnomAD)